The following is an entry in ClinVar:

ClinVar aggregate classification (germline): Uncertain significance (1 of 4 stars; one submission).

Allele frequency attached by ClinVar (database versions not stated): TOPMed below 0.00001; gnomAD exomes 0.00001.
gnomAD v4.1: 4 of 1,614,066 alleles (0.00025%); highest among the groups gnomAD compares: Non-Finnish European, 0.00034%; no homozygotes.

Submission:

Biesecker Lab/Clinical Genomics Section, National Institutes of Health
Classification: Uncertain significance. Last evaluated: 2013-06-24. Review status: criteria provided, single submitter. Criteria: Ng et al. (Circ Cardiovasc Genet. 2013). Collection method: research. Allele origin: unknown. Observed: 1 variant allele. Study: ClinSeq.
Comment: The study set was not selected for affection status in relation to any cancer. Pathogenicity categories were based on literature curation. See Pubmed ID:23861362 for details.

Medical sequencing

NM_001267550.2(TTN):c.7548G>C (p.Lys2516Asn)

Gene: TTN (titin; minus strand). Cytogenetic location: 2q31.2.
Variant type: single nucleotide variant.
Coding change: c.7548G>C on transcript NM_001267550.2 (MANE Select); coding-DNA position 7548, G replaced by C.
Protein change: p.Lys2516Asn; replaces lysine 2516 with asparagine.
Molecular consequence: missense variant.
Genome position (GRCh38, 1-based): chr2:178,773,508, C>G on the plus strand (G>C on the coding strand, the complement: TTN is on the minus strand). VCF-style: chr2-178773508-C-G. GRCh37 (hg19) VCF-style: chr2-179638235-C-G.
Other names: c.7548G>C, p.Lys2516Asn (NM_133378.4, NM_001256850.1, NM_133379.5); c.7410G>C, p.Lys2470Asn (NM_003319.4, NM_133432.3, NM_133437.4); short protein forms K2516N, K2470N.
Identifiers: ClinVar variation 192070 (VCV000192070.1), dbSNP rs200973013, ClinGen allele CA238238.
Genomic context (GRCh38, chr2:178,773,508, plus strand): 5'-AGAATAATCCTTACTTTCTACAGAGAGATTACAGTTGGTTTCAACTCTGCCAACTATCAG[C>G]TTGTAAGGTCCTTCGTCTGAAGCATGAGTTCGGTTAATGACTAGTCGCTGTTTAGTACCT-3'
Protein context (NP_001254479.2, residues 2506-2526): RTHASDEGPY[Lys2516Asn]LIVGRVETNC